The following is an entry in ClinVar:

NM_024325.6(ZNF343):c.1621A>C (p.Arg541=)

Gene: ZNF343 (zinc finger protein 343; minus strand). Cytogenetic location: 20p13.
Variant type: single nucleotide variant.
Coding change: c.1621A>C on transcript NM_024325.6 (MANE Select); coding-DNA position 1621, A replaced by C.
Protein change: p.Arg541=; no amino-acid change (arginine 541 retained).
Molecular consequence: synonymous variant.
Genome position (GRCh38, 1-based): chr20:2,483,340, T>G on the plus strand (A>C on the coding strand, the complement: ZNF343 is on the minus strand). VCF-style: chr20-2483340-T-G. GRCh37 (hg19) VCF-style: chr20-2463986-T-G.
Other names: c.1621A>C, p.Arg541= (NM_001282495.1, NM_001282496.2, NM_001321800.2); c.1744A>C, p.Arg582= (NM_001282497.2, NM_001321801.2); c.1351A>C, p.Arg451= (NM_001282498.2); c.1741A>C, p.Arg581= (NM_001321802.2, NM_001321803.2); c.1618A>C, p.Arg540= (NM_001321805.2).
Identifiers: ClinVar variation 3026081 (VCV003026081.22), dbSNP rs769462325, ClinGen allele CA9732649.

ClinVar aggregate classification (germline): Likely benign (1 of 4 stars; one submission).

Allele frequency attached by ClinVar (database versions not stated): ExAC 0.00001.

Submission:

CeGaT Center for Human Genetics Tuebingen
Classification: Likely benign. Last evaluated: 2024-02-01. Review status: criteria provided, single submitter. Criteria: CeGaT Center For Human Genetics Tuebingen Variant Classification Criteria Version 2. Collection method: clinical testing. Allele origin: germline. Affected: yes. Observed: 1 variant allele.
Comment: ZNF343: BP4, BP7